The following is an entry in ClinVar:

ClinVar aggregate classification (germline): Uncertain significance (1 of 4 stars; one submission).

Allele frequency attached by ClinVar (database versions not stated): gnomAD exomes below 0.00001; TOPMed 0.00003; gnomAD 0.00005; ExAC 0.00002.
gnomAD v4.1: 9 of 1,611,862 alleles (0.00056%); highest among the groups gnomAD compares: African/African-American, 0.008%; no homozygotes.

Submission:

Labcorp Genetics (formerly Invitae), Labcorp
Classification: Uncertain significance. Last evaluated: 2025-10-24. Review status: criteria provided, single submitter. Criteria: Invitae Variant Classification Sherloc (09022015). Collection method: clinical testing. Allele origin: germline.
Comment: This sequence change replaces glutamine, which is neutral and polar, with histidine, which is basic and polar, at codon 251 of the NAA15 protein (p.Gln251His). This variant is present in population databases (rs750481678, gnomAD 0.01%). This variant has not been reported in the literature in individuals affected with NAA15-related conditions. ClinVar contains an entry for this variant (Variation ID: 3010665). An algorithm developed to predict the effect of missense changes on protein structure and function (PolyPhen-2) suggests that this variant is likely to be disruptive. In summary, the available evidence is currently insufficient to determine the role of this variant in disease. Therefore, it has been classified as a Variant of Uncertain Significance.

NM_057175.5(NAA15):c.753A>T (p.Gln251His)

Gene: NAA15 (N-alpha-acetyltransferase 15, NatA auxiliary subunit; plus strand). Cytogenetic location: 4q31.1.
Variant type: single nucleotide variant.
Coding change: c.753A>T on transcript NM_057175.5 (MANE Select); coding-DNA position 753, A replaced by T.
Protein change: p.Gln251His; replaces glutamine 251 with histidine.
Molecular consequence: missense variant.
Genome position (GRCh38, 1-based): chr4:139,349,523, A>T. VCF-style: chr4-139349523-A-T. GRCh37 (hg19) VCF-style: chr4-140270677-A-T.
Other names: c.753A>T, p.Gln251His (NM_001410842.1, NM_025085.2); short protein forms Q251H.
Identifiers: ClinVar variation 3010665 (VCV003010665.3), dbSNP rs750481678, ClinGen allele CA3083466.
Genomic context (GRCh38, chr4:139,349,523, plus strand): 5'-GGAACTTCTGTTGCAACTATGTCGTTTGGAAGATGCTGCAGATGTTTATAGAGGATTGCA[A>T]GAGAGAAATCCTGAAAACTGGGCCTATTACAAAGGCTTGGAAAAAGCACTCAAGCCAGGT-3'
Protein context (NP_476516.1, residues 241-261): EDAADVYRGL[Gln251His]ERNPENWAYY